The following is an entry in ClinVar:

NM_002354.3(EPCAM):c.777C>A (p.Phe259Leu)

Gene: EPCAM (epithelial cell adhesion molecule; plus strand). Cytogenetic location: 2p21.
Variant type: single nucleotide variant.
Coding change: c.777C>A on transcript NM_002354.3 (MANE Select); coding-DNA position 777, C replaced by A.
Protein change: p.Phe259Leu; replaces phenylalanine 259 with leucine.
Molecular consequence: missense variant.
Genome position (GRCh38, 1-based): chr2:47,379,888, C>A. VCF-style: chr2-47379888-C-A. GRCh37 (hg19) VCF-style: chr2-47607027-C-A.
Other names: short protein forms F259L.
Identifiers: ClinVar variation 4249688 (VCV004249688.1).

ClinVar aggregate classification (germline): Uncertain significance (1 of 4 stars; one submission).

Conditions:
Hereditary cancer-predisposing syndrome. Also called: Hereditary Cancer Syndrome; Hereditary neoplastic syndrome; Neoplastic Syndromes, Hereditary; Tumor predisposition. Identifiers: Orphanet 140162, MedGen C0027672, MeSH D009386, MONDO:0015356.

gnomAD v4.1: 3 of 1,614,148 alleles (0.00019%); highest among the groups gnomAD compares: East Asian, 0.0045%; no homozygotes.

Submission:

Ambry Genetics
Classification: Uncertain significance for Hereditary cancer-predisposing syndrome. Last evaluated: 2025-08-10. Review status: criteria provided, single submitter. Criteria: Ambry Variant Classification Scheme 2023. Collection method: clinical testing. Allele origin: germline.
Comment: The p.F259L variant (also known as c.777C>A), located in coding exon 7 of the EPCAM gene, results from a C to A substitution at nucleotide position 777. The phenylalanine at codon 259 is replaced by leucine, an amino acid with highly similar properties. This amino acid position is conserved. In addition, the in silico prediction for this alteration is inconclusive. Based on the available evidence, the clinical significance of this variant remains unclear.